The following is an entry in ClinVar:

NM_001394062.1(MACF1):c.5841G>A (p.Pro1947=)

Gene: MACF1 (microtubule actin crosslinking factor 1; plus strand). Cytogenetic location: 1p34.3.
Variant type: single nucleotide variant.
Coding change: c.5841G>A on transcript NM_001394062.1 (MANE Select); coding-DNA position 5841, G replaced by A.
Protein change: p.Pro1947=; no amino-acid change (proline 1947 retained).
Molecular consequence: synonymous variant. On other transcripts: intron variant (1).
Genome position (GRCh38, 1-based): chr1:39,332,429, G>A. VCF-style: chr1-39332429-G-A. GRCh37 (hg19) VCF-style: chr1-39798101-G-A.
Other names: c.4629+5076G>A (NM_012090.5).
Identifiers: ClinVar variation 3771146 (VCV003771146.13).
Genomic context (GRCh38, chr1:39,332,429, plus strand): 5'-CCACATGCAACTAGCAGACTCTGCAGAACAAAATATTAATCCTGGAGCAGCAGTTCTACC[G>A]TGCAGCAAGAGCCACCCTAAGGCCACAGCAAGCCAGAGTGAGAATCTGTTGTTCCAGCTG-3'
Protein context (NP_001380991.1, residues 1937-1957): QNINPGAAVL[Pro1947=]CSKSHPKATA

ClinVar aggregate classification (germline): Likely benign (1 of 4 stars; one submission).

gnomAD v4.1: 60 of 1,613,986 alleles (0.0037%); highest among the groups gnomAD compares: African/African-American, 0.016%; no homozygotes.

Submission:

CeGaT Center for Human Genetics Tuebingen
Classification: Likely benign. Last evaluated: 2025-02-01. Review status: criteria provided, single submitter. Criteria: CeGaT Center For Human Genetics Tuebingen Variant Classification Criteria Version 2. Collection method: clinical testing. Allele origin: germline. Affected: yes. Observed: 1 variant allele.
Comment: MACF1: BP4, BP7